The following is an entry in ClinVar:

ClinVar aggregate classification (germline): Uncertain significance (1 of 4 stars; one submission).

Conditions:
Early-onset Lafora body disease. Also called: Epilepsy, progressive myoclonic, 10. Identifiers: Orphanet 324290, MedGen C4225258, MONDO:0014717, OMIM 616640.

Allele frequency attached by ClinVar (database versions not stated): gnomAD exomes below 0.00001; gnomAD 0.00001.
gnomAD v4.1: 2 of 1,614,112 alleles (0.00012%); highest among the groups gnomAD compares: African/African-American, 0.0027%; no homozygotes.

Submission:

Labcorp Genetics (formerly Invitae), Labcorp
Classification: Uncertain significance for Early-onset Lafora body disease. Last evaluated: 2024-10-23. Review status: criteria provided, single submitter. Criteria: Invitae Variant Classification Sherloc (09022015). Collection method: clinical testing. Allele origin: germline.
Comment: This sequence change replaces methionine, which is neutral and non-polar, with threonine, which is neutral and polar, at codon 87 of the PRDM8 protein (p.Met87Thr). This variant is present in population databases (no rsID available, gnomAD 0.008%). This variant has not been reported in the literature in individuals affected with PRDM8-related conditions. ClinVar contains an entry for this variant (Variation ID: 1397193). Invitae Evidence Modeling of protein sequence and biophysical properties (such as structural, functional, and spatial information, amino acid conservation, physicochemical variation, residue mobility, and thermodynamic stability) indicates that this missense variant is not expected to disrupt PRDM8 protein function with a negative predictive value of 80%. In summary, the available evidence is currently insufficient to determine the role of this variant in disease. Therefore, it has been classified as a Variant of Uncertain Significance.

NM_001099403.2(PRDM8):c.260T>C (p.Met87Thr)

Genes: PRDM8 (PR/SET domain 8; plus strand), LOC126807094 (CDK7 strongly-dependent group 2 enhancer GRCh37_chr4:81121978-81123177; plus strand). Cytogenetic location: 4q21.21.
Variant type: single nucleotide variant.
Coding change: c.260T>C on transcript NM_001099403.2 (MANE Select); coding-DNA position 260, T replaced by C.
Protein change: p.Met87Thr; replaces methionine 87 with threonine.
Molecular consequence: missense variant.
Genome position (GRCh38, 1-based): chr4:80,201,330, T>C. VCF-style: chr4-80201330-T-C. GRCh37 (hg19) VCF-style: chr4-81122484-T-C.
Other names: c.260T>C, p.Met87Thr (NM_020226.4); short protein forms M87T.
Identifiers: ClinVar variation 1397193 (VCV001397193.8), dbSNP rs1214957885, ClinGen allele CA357392558.